The following is an entry in ClinVar:

ClinVar aggregate classification (germline): Uncertain significance. Review status: criteria provided, multiple submitters, no conflicts (2 of 4 stars). 2 submissions from 2 submitters: Uncertain significance (2). Last evaluated 2025-04-16.

Conditions:
Hereditary cancer-predisposing syndrome. Also called: Hereditary Cancer Syndrome; Neoplastic Syndromes, Hereditary; Tumor predisposition; Hereditary neoplastic syndrome. Identifiers: Orphanet 140162, MedGen C0027672, MeSH D009386, MONDO:0015356.

gnomAD v4.1: 19 of 1,613,974 alleles (0.0012%); highest among the groups gnomAD compares: Non-Finnish European, 0.0015%; no homozygotes.

Submissions (2):

Labcorp Genetics (formerly Invitae), Labcorp
Classification: Uncertain significance. Last evaluated: 2025-04-16. Review status: criteria provided, single submitter. Criteria: Invitae Variant Classification Sherloc (09022015). Collection method: clinical testing. Allele origin: germline.
Comment: This sequence change replaces alanine, which is neutral and non-polar, with valine, which is neutral and non-polar, at codon 1786 of the POLE protein (p.Ala1786Val). This variant is not present in population databases (gnomAD no frequency). This variant has not been reported in the literature in individuals affected with POLE-related conditions. ClinVar contains an entry for this variant (Variation ID: 1747029). Invitae Evidence Modeling of protein sequence and biophysical properties (such as structural, functional, and spatial information, amino acid conservation, physicochemical variation, residue mobility, and thermodynamic stability) indicates that this missense variant is not expected to disrupt POLE protein function with a negative predictive value of 80%. In summary, the available evidence is currently insufficient to determine the role of this variant in disease. Therefore, it has been classified as a Variant of Uncertain Significance.

Ambry Genetics
Classification: Uncertain significance for Hereditary cancer-predisposing syndrome. Last evaluated: 2024-02-06. Review status: criteria provided, single submitter. Criteria: Ambry Variant Classification Scheme 2023. Collection method: clinical testing. Allele origin: germline.
Comment: The p.A1786V variant (also known as c.5357C>T), located in coding exon 39 of the POLE gene, results from a C to T substitution at nucleotide position 5357. The alanine at codon 1786 is replaced by valine, an amino acid with similar properties. This amino acid position is conserved. In addition, the in silico prediction for this alteration is inconclusive. Since supporting evidence is limited at this time, the clinical significance of this alteration remains unclear.

NM_006231.4(POLE):c.5357C>T (p.Ala1786Val)

Gene: POLE (DNA polymerase epsilon, catalytic subunit; minus strand). Cytogenetic location: 12q24.33.
Variant type: single nucleotide variant.
Coding change: c.5357C>T on transcript NM_006231.4 (MANE Select); coding-DNA position 5357, C replaced by T.
Protein change: p.Ala1786Val; replaces alanine 1786 with valine.
Molecular consequence: missense variant.
Genome position (GRCh38, 1-based): chr12:132,641,668, G>A on the plus strand (C>T on the coding strand, the complement: POLE is on the minus strand). VCF-style: chr12-132641668-G-A. GRCh37 (hg19) VCF-style: chr12-133218254-G-A.
Other names: short protein forms A1786V.
Identifiers: ClinVar variation 1747029 (VCV001747029.7), dbSNP rs2138523083, ClinGen allele CA387375743.